The following is an entry in ClinVar:

ClinVar aggregate classification (germline): Uncertain significance (1 of 4 stars; one submission).

Submission:

Labcorp Genetics (formerly Invitae), Labcorp
Classification: Uncertain significance. Last evaluated: 2022-07-08. Review status: criteria provided, single submitter. Criteria: Invitae Variant Classification Sherloc (09022015). Collection method: clinical testing. Allele origin: germline.
Comment: This variant, c.1112_1114dup, results in the insertion of 1 amino acid(s) of the PDSS1 protein (p.Asp371dup), but otherwise preserves the integrity of the reading frame. This variant is present in population databases (rs748160237, gnomAD 0.003%). This variant has not been reported in the literature in individuals affected with PDSS1-related conditions. In summary, the available evidence is currently insufficient to determine the role of this variant in disease. Therefore, it has been classified as a Variant of Uncertain Significance.

NM_014317.5(PDSS1):c.1112_1114dup (p.Asp371_Gly372insAsp)

Gene: PDSS1 (decaprenyl diphosphate synthase subunit 1; plus strand). Cytogenetic location: 10p12.1.
Variant type: Duplication.
Coding change: c.1112_1114dup on transcript NM_014317.5 (MANE Select); coding-DNA positions 1112 to 1114, 3 bases duplicated (ATG; older notation c.1112_1114dupATG).
Protein change: p.Asp371_Gly372insAsp.
Molecular consequence: inframe insertion. On other transcripts: no sequence alteration (1).
Genome position (GRCh38, 1-based): chr10:26,746,337-26,746,339, ATG duplicated; duplicating any 3 consecutive bases within chr10:26,746,335-26,746,339 gives the same sequence; the c. name uses the placement nearest the transcript's 3' end. VCF-style (leftmost placement, unchanged base first): chr10-26746334-G-GTGA. GRCh37 (hg19) VCF-style: chr10-27035263-G-GTGA.
Other names: c.921_*2dup, p.Ter307_Ter(307_?)(?) (NM_001321978.2); c.602_604dup, p.Asp201_Gly202insAsp (NM_001321979.2).
Identifiers: ClinVar variation 1950488 (VCV001950488.5), dbSNP rs748160237, ClinGen allele CA5447155.
Genomic context (GRCh38, chr10:26,746,334, plus strand): 5'-TTAAAACGCTGATTCAGTCAGTGACAGGCATCTGTTCTGTTTTGTTCTGTATCTTATAGA[G>GTGA]TGATGGTGTGCAACAAACAACCTACCTCGCCCAGCAGTACTGCCATGAAGCAATAAGAGA-3'